The following is an entry in ClinVar:

ClinVar aggregate classification (germline): Pathogenic (1 of 4 stars; one submission).

Submission:

Labcorp Genetics (formerly Invitae), Labcorp
Classification: Pathogenic. Last evaluated: 2023-04-12. Review status: criteria provided, single submitter. Criteria: Invitae Variant Classification Sherloc (09022015). Collection method: clinical testing. Allele origin: germline.
Comment: This variant disrupts a region of the EYS protein in which other variant(s) (p.Tyr3135*) have been determined to be pathogenic (PMID: 18976725, 29159838, 30337596, 31074760). This suggests that this is a clinically significant region of the protein, and that variants that disrupt it are likely to be disease-causing. For these reasons, this variant has been classified as Pathogenic. This variant has not been reported in the literature in individuals affected with EYS-related conditions. This variant is not present in population databases (gnomAD no frequency). This sequence change creates a premature translational stop signal (p.Glu3130*) in the EYS gene. While this is not anticipated to result in nonsense mediated decay, it is expected to disrupt the last 15 amino acid(s) of the EYS protein.

Literature cited by the submitters: PubMed 18976725; PubMed 29159838; PubMed 30337596; PubMed 31074760.

NM_001142800.2(EYS):c.9388G>T (p.Glu3130Ter)

Genes: EYS (EGF-like photoreceptor maintenance factor; minus strand), PHF3 (PHD finger protein 3; plus strand). Cytogenetic location: 6q12.
Variant type: single nucleotide variant.
Coding change: c.9388G>T on transcript NM_001142800.2 (MANE Select); coding-DNA position 9388, G replaced by T.
Protein change: p.Glu3130Ter; replaces glutamic acid 3130 with a stop codon.
Molecular consequence: nonsense. On other transcripts: 3 prime UTR variant (5).
Genome position (GRCh38, 1-based): chr6:63,720,643, C>A on the plus strand (G>T on the coding strand, the complement: EYS is on the minus strand). VCF-style: chr6-63720643-C-A. GRCh37 (hg19) VCF-style: chr6-64430539-C-A.
Other names: c.*6935C>A (NM_001290259.2, NM_001370348.2, NM_001370349.2 and 2 more transcripts); c.9451G>T, p.Glu3151Ter (NM_001292009.2); short protein forms E3151*, E3130*.
Identifiers: ClinVar variation 2855491 (VCV002855491.3), dbSNP rs2533384519, ClinGen allele CA364382590.